The following is an entry in ClinVar:

ClinVar aggregate classification (germline): Uncertain significance. Review status: criteria provided, multiple submitters, no conflicts (2 of 4 stars). 2 submissions from 2 submitters: Uncertain significance (2). Last evaluated 2026-07-06.

Conditions:
Familial cancer of breast. Also called: BREAST CANCER, FAMILIAL; Hereditary breast cancer; hereditary breast carcinoma. Identifiers: Orphanet 227535, MedGen C0346153, MONDO:0016419, OMIM 114480. Disease mechanism: loss of function.

Submissions (2):

KCCC/NGS Laboratory, Kuwait Cancer Control Center
Classification: Uncertain significance for Familial cancer of breast. Last evaluated: 2026-07-06. Review status: criteria provided, single submitter. Criteria: ACMG Guidelines, 2015. Collection method: clinical testing. Allele origin: germline. Inheritance: Autosomal dominant inheritance. Affected: yes.
Comment: a variant of uncertain significance was detected in ATM gene

GeneDx
Classification: Uncertain significance. Last evaluated: 2023-03-13. Review status: criteria provided, single submitter. Criteria: GeneDx Variant Classification Process June 2021. Collection method: clinical testing. Allele origin: germline. Affected: yes.
Comment: Not observed at significant frequency in large population cohorts (gnomAD); In silico analysis supports that this missense variant has a deleterious effect on protein structure/function; Has not been previously published as pathogenic or benign to our knowledge

NM_000051.4(ATM):c.5663A>T (p.Asn1888Ile)

Gene: ATM (ATM serine/threonine kinase; plus strand). Cytogenetic location: 11q22.3.
Variant type: single nucleotide variant.
Coding change: c.5663A>T on transcript NM_000051.4 (MANE Select); coding-DNA position 5663, A replaced by T.
Protein change: p.Asn1888Ile; replaces asparagine 1888 with isoleucine.
Molecular consequence: missense variant.
Genome position (GRCh38, 1-based): chr11:108,304,841, A>T. VCF-style: chr11-108304841-A-T. GRCh37 (hg19) VCF-style: chr11-108175568-A-T.
Other names: c.5663A>T, p.Asn1888Ile (NM_001351834.2); short protein forms N1888I.
Identifiers: ClinVar variation 2580114 (VCV002580114.2), dbSNP rs2135946396, ClinGen allele CA382546556.